The following is an entry in ClinVar:

NM_030632.3(ASXL3):c.3873_3877del (p.Cys1292fs)

Gene: ASXL3 (ASXL transcriptional regulator 3; plus strand). Cytogenetic location: 18q12.1.
Variant type: Deletion.
Coding change: c.3873_3877del on transcript NM_030632.3 (MANE Select); coding-DNA positions 3873 to 3877, 5 bases deleted (ATGCA; older notation c.3873_3877delATGCA).
Protein change: p.Cys1292fs; shifts the reading frame from cysteine 1292.
Molecular consequence: frameshift variant.
Genome position (GRCh38, 1-based): chr18:33,743,721-33,743,725, ATGCA deleted. VCF-style (leftmost placement, unchanged base first): chr18-33743720-CATGCA-C. GRCh37 (hg19) VCF-style: chr18-31323684-CATGCA-C.
Other names: c.3873_3877delATGCA (NM_030632.3); short protein forms C1292fs.
Identifiers: ClinVar variation 3384984 (VCV003384984.1).

ClinVar aggregate classification (germline): Pathogenic (1 of 4 stars; one submission).

Conditions:
Bainbridge-Ropers syndrome. Also called: Severe feeding difficulties-failure to thrive-microcephaly due to ASXL3 deficiency syndrome. Identifiers: Orphanet 352577, MedGen C4750837, MONDO:0014205, OMIM 615485.

Submission:

Women's Health and Genetics/Laboratory Corporation of America, LabCorp
Classification: Pathogenic for Bainbridge-Ropers syndrome. Last evaluated: 2024-10-29. Review status: criteria provided, single submitter. Criteria: LabCorp Variant Classification Summary - May 2015. Collection method: clinical testing. Allele origin: germline.
Comment: Variant summary: ASXL3 c.3873_3877delATGCA (p.Cys1292SerfsX8) results in a premature termination codon, predicted to cause a truncation of the encoded protein or absence of the protein, however, nonsense mediated decay is not expected to occur. The variant was absent in 249124 control chromosomes. To our knowledge, no occurrence of c.3873_3877delATGCA in individuals affected with Bainbridge-Ropers Syndrome and no experimental evidence demonstrating its impact on protein function have been reported. Multiple alternate variants downstream of the current variant have been classified as Pathogenic in ClinVar (e.g. c.4534C>T, p.Q1512X; c. 5153del, p.E1718fs), providing supporting evidence for a pathogenic role. No submitters have cited clinical-significance assessments for this variant to ClinVar. Based on the evidence outlined above, the variant was classified as pathogenic.